The following is an entry in ClinVar:

ClinVar aggregate classification (germline): Uncertain significance. Review status: criteria provided, multiple submitters, no conflicts (2 of 4 stars). 2 submissions from 2 submitters: Uncertain significance (2). Last evaluated 2025-01-21.

Conditions:
Cardiovascular phenotype. Identifiers: MedGen CN230736.

Submissions (2):

GeneDx
Classification: Uncertain significance. Last evaluated: 2025-01-21. Review status: criteria provided, single submitter. Criteria: GeneDx Variant Classification Process June 2021. Collection method: clinical testing. Allele origin: germline. Affected: yes.
Comment: Not observed at significant frequency in large population cohorts (gnomAD); In silico analysis supports that this missense variant has a deleterious effect on protein structure/function; Has not been previously published as pathogenic or benign to our knowledge

Ambry Genetics
Classification: Uncertain significance for Cardiovascular phenotype. Last evaluated: 2024-05-19. Review status: criteria provided, single submitter. Criteria: Ambry Variant Classification Scheme 2023. Collection method: clinical testing. Allele origin: germline.
Comment: The p.E879K variant (also known as c.2635G>A), located in coding exon 26 of the MYBPC3 gene, results from a G to A substitution at nucleotide position 2635. The glutamic acid at codon 879 is replaced by lysine, an amino acid with similar properties. This amino acid position is conserved. In addition, this alteration is predicted to be tolerated by in silico analysis. Based on the available evidence, the clinical significance of this variant remains unclear.

NM_000256.3(MYBPC3):c.2635G>A (p.Glu879Lys)

Gene: MYBPC3 (myosin binding protein C3; minus strand). Cytogenetic location: 11p11.2.
Variant type: single nucleotide variant.
Coding change: c.2635G>A on transcript NM_000256.3 (MANE Select); coding-DNA position 2635, G replaced by A.
Protein change: p.Glu879Lys; replaces glutamic acid 879 with lysine.
Molecular consequence: missense variant.
Genome position (GRCh38, 1-based): chr11:47,335,979, C>T on the plus strand (G>A on the coding strand, the complement: MYBPC3 is on the minus strand). VCF-style: chr11-47335979-C-T. GRCh37 (hg19) VCF-style: chr11-47357530-C-T.
Other names: short protein forms E879K.
Identifiers: ClinVar variation 3297224 (VCV003297224.2).